The following is an entry in ClinVar:

NM_133379.5(TTN):c.15276G>A (p.Leu5092=)

Gene: TTN (titin; minus strand). Cytogenetic location: 2q31.2.
Variant type: single nucleotide variant.
Coding change: c.15276G>A on transcript NM_133379.5; coding-DNA position 15276, G replaced by A.
Protein change: p.Leu5092=; no amino-acid change (leucine 5092 retained).
Molecular consequence: synonymous variant. On other transcripts: intron variant (6).
Genome position (GRCh38, 1-based): chr2:178,747,124, C>T on the plus strand (G>A on the coding strand, the complement: TTN is on the minus strand). VCF-style: chr2-178747124-C-T. GRCh37 (hg19) VCF-style: chr2-179611851-C-T.
Other names: p.L5092L:CTG>CTA; c.10361-5203G>A (NM_001256850.1); c.10223-5203G>A (NM_003319.4); c.10799-5203G>A (NM_133437.4); c.10598-5203G>A (NM_133432.3); c.10360+6000G>A (NM_133378.4); c.11312-5203G>A (NM_001267550.2).
Identifiers: ClinVar variation 47782 (VCV000047782.14), dbSNP rs72648910, ClinGen allele CA284488.

ClinVar aggregate classification (germline): Benign. Review status: criteria provided, multiple submitters, no conflicts (2 of 4 stars). 6 submissions from 6 submitters: Benign (4). 2 of the submissions do not count toward it. Last evaluated 2016-10-12.

Allele frequency attached by ClinVar (database versions not stated): gnomAD exomes 0.00190 and 0.00530; ESP Exome Variant Server 0.02531; gnomAD 0.03868 and 0.04095; 1000 Genomes Project 0.03994.
gnomAD v4.1: 7,509 of 1,555,344 alleles (0.48%); highest among the groups gnomAD compares: African/African-American, 11%; 457 homozygotes.

Submissions (6):

Eurofins Ntd Llc (ga)
Classification: Benign. Last evaluated: 2016-10-12. Review status: criteria provided, single submitter. Criteria: EGL Classification Definitions 2015. Collection method: clinical testing. Allele origin: germline. Observed: 52 variant alleles, 7 heterozygotes, 1 homozygote.

GeneDx
Classification: Benign. Last evaluated: 2014-03-05. Review status: criteria provided, single submitter. Criteria: GeneDx Variant Classification (06012015). Collection method: clinical testing. Allele origin: germline. Affected: yes.
Comment: This variant is considered likely benign or benign based on one or more of the following criteria: it is a conservative change, it occurs at a poorly conserved position in the protein, it is predicted to be benign by multiple in silico algorithms, and/or has population frequency not consistent with disease.

Laboratory for Molecular Medicine, Mass General Brigham Personalized Medicine
Classification: Benign. Last evaluated: 2012-04-11. Review status: criteria provided, single submitter. Criteria: LMM Criteria. Collection method: clinical testing. Allele origin: germline. Observed: 11 variant alleles.
Comment: Leu5092Leu in exon 45A of TTN: This variant is not expected to have clinical sig nificance because it does not alter an amino acid residue and has been identifie d in 8.4% (315/3736) of African American chromosomes from a broad population by the NHLBI Exome Sequencing Project (dbSNP rs72 648910).

Breakthrough Genomics
Classification: Benign. Review status: criteria provided, single submitter. Criteria: ACMG Guidelines, 2015. Collection method: not provided. Allele origin: germline. Inheritance: Autosomal recessive inheritance. Affected: yes.

Clinical Genetics, Academic Medical Center
Classification: Benign. Review status: no assertion criteria provided. Collection method: clinical testing. Allele origin: germline. Affected: yes. Study: VKGL Data-share Consensus. Not counted in ClinVar's aggregate classification.

Joint Genome Diagnostic Labs from Nijmegen and Maastricht, Radboudumc and MUMC+
Classification: Benign. Review status: no assertion criteria provided. Collection method: clinical testing. Allele origin: germline. Affected: yes. Study: VKGL Data-share Consensus. Not counted in ClinVar's aggregate classification.